The following is an entry in ClinVar:

NM_001385001.1(MCTP2):c.2189G>A (p.Ser730Asn)

Gene: MCTP2 (multiple C2 and transmembrane domain containing 2; plus strand). Cytogenetic location: 15q26.2.
Variant type: single nucleotide variant.
Coding change: c.2189G>A on transcript NM_001385001.1 (MANE Select); coding-DNA position 2189, G replaced by A.
Protein change: p.Ser730Asn; replaces serine 730 with asparagine.
Molecular consequence: missense variant. On other transcripts: non-coding transcript variant (5), intron variant (4).
Genome position (GRCh38, 1-based): chr15:94,440,279, G>A. VCF-style: chr15-94440279-G-A. GRCh37 (hg19) VCF-style: chr15-94983508-G-A.
Other names: c.2189G>A, p.Ser730Asn (NM_001385002.1, NM_001385003.1, NM_001385005.1 and 1 more transcripts); c.1907G>A, p.Ser636Asn (NM_001385007.1); c.1691G>A, p.Ser564Asn (NM_001385009.1); c.2086-17858G>A (NM_001159643.2, NM_001385004.1); c.2086-2640G>A (NM_001385006.1); c.1588-17858G>A (NM_001385010.1); short protein forms S564N, S636N, S730N.
Identifiers: ClinVar variation 2630780 (VCV002630780.2), dbSNP rs2544839018, ClinGen allele CA393928306.

ClinVar aggregate classification (germline): Uncertain significance (0 of 4 stars; one submission).

Conditions:
MCTP2-related disorder. Also called: MCTP2-related condition.

Allele frequency attached by ClinVar (database versions not stated): gnomAD exomes below 0.00001.
gnomAD v4.1: 1 of 1,614,106 alleles (0.000062%); highest among the groups gnomAD compares: Non-Finnish European, 0.000085%; no homozygotes.

Submission:

PreventionGenetics, part of Exact Sciences
Classification: Uncertain significance for MCTP2-related condition. Last evaluated: 2024-08-05. Review status: no assertion criteria provided. Collection method: clinical testing. Allele origin: germline.
Comment: The MCTP2 c.2189G>A variant is predicted to result in the amino acid substitution p.Ser730Asn. To our knowledge, this variant has not been reported in the literature or in a large population database, indicating this variant is rare. At this time, the clinical significance of this variant is uncertain due to the absence of conclusive functional and genetic evidence.